The following is an entry in ClinVar:

NM_001312673.2(PCYT1A):c.200C>G (p.Ala67Gly)

Gene: PCYT1A (phosphate cytidylyltransferase 1A, choline; minus strand). Cytogenetic location: 3q29.
Variant type: single nucleotide variant.
Coding change: c.200C>G on transcript NM_001312673.2 (MANE Select); coding-DNA position 200, C replaced by G.
Protein change: p.Ala67Gly; replaces alanine 67 with glycine.
Molecular consequence: missense variant.
Genome position (GRCh38, 1-based): chr3:196,257,805, G>C on the plus strand (C>G on the coding strand, the complement: PCYT1A is on the minus strand). VCF-style: chr3-196257805-G-C. GRCh37 (hg19) VCF-style: chr3-195984676-G-C.
Other names: c.200C>G, p.Ala67Gly (NM_005017.4); short protein forms A67G.
Identifiers: ClinVar variation 1378177 (VCV001378177.6), dbSNP rs759359405, ClinGen allele CA355589720.

ClinVar aggregate classification (germline): Uncertain significance (1 of 4 stars; one submission).

Submission:

Labcorp Genetics (formerly Invitae), Labcorp
Classification: Uncertain significance. Last evaluated: 2024-02-24. Review status: criteria provided, single submitter. Criteria: Invitae Variant Classification Sherloc (09022015). Collection method: clinical testing. Allele origin: germline.
Comment: This sequence change replaces alanine, which is neutral and non-polar, with glycine, which is neutral and non-polar, at codon 67 of the PCYT1A protein (p.Ala67Gly). This variant is not present in population databases (gnomAD no frequency). This variant has not been reported in the literature in individuals affected with PCYT1A-related conditions. ClinVar contains an entry for this variant (Variation ID: 1378177). Advanced modeling of protein sequence and biophysical properties (such as structural, functional, and spatial information, amino acid conservation, physicochemical variation, residue mobility, and thermodynamic stability) has been performed at Invitae for this missense variant, however the output from this modeling did not meet the statistical confidence thresholds required to predict the impact of this variant on PCYT1A protein function. In summary, the available evidence is currently insufficient to determine the role of this variant in disease. Therefore, it has been classified as a Variant of Uncertain Significance.